The following is an entry in ClinVar:

ClinVar aggregate classification (germline): Likely benign (0 of 4 stars; one submission).

Conditions:
RPS6KA3-related disorder. Also called: RPS6KA3-related condition.

gnomAD v4.1: 2 of 1,115,903 alleles (0.00018%); highest among the groups gnomAD compares: Non-Finnish European, 0.00024%; no homozygotes.

Submission:

PreventionGenetics, part of Exact Sciences
Classification: Likely benign for RPS6KA3-related condition. Last evaluated: 2024-07-01. Review status: no assertion criteria provided. Collection method: clinical testing. Allele origin: germline.
Comment: This variant is classified as likely benign based on ACMG/AMP sequence variant interpretation guidelines (Richards et al. 2015 PMID: 25741868, with internal and published modifications).

NM_004586.3(RPS6KA3):c.-4G>A

Gene: RPS6KA3 (ribosomal protein S6 kinase A3; minus strand). Cytogenetic location: Xp22.12.
Variant type: single nucleotide variant.
Coding change: c.-4G>A on transcript NM_004586.3 (MANE Select); 4 bases upstream of the start codon, G replaced by A.
Molecular consequence: 5 prime UTR variant.
Genome position (GRCh38, 1-based): chrX:20,266,636, C>T on the plus strand (G>A on the coding strand, the complement: RPS6KA3 is on the minus strand). VCF-style: chrX-20266636-C-T. GRCh37 (hg19) VCF-style: chrX-20284754-C-T.
Identifiers: ClinVar variation 3354068 (VCV003354068.1).
Genomic context (GRCh38, chrX:20,266,636, plus strand): 5'-GGACGGGCTCTCCACAGCCATCTTCTGCCACGGGTCCGCCAGCTGCGCCAGCGGCATCTT[C>T]CCCCCCGGCCCGCCGCCTTCACCGCCTCCTCCCTCCCCGCCCGCCCCACGGCCGGCCCCG-3'